The following is an entry in ClinVar:

NM_030665.4(RAI1):c.1207G>T (p.Ala403Ser)

Gene: RAI1 (retinoic acid induced 1; plus strand). Cytogenetic location: 17p11.2.
Variant type: single nucleotide variant.
Coding change: c.1207G>T on transcript NM_030665.4 (MANE Select); coding-DNA position 1207, G replaced by T.
Protein change: p.Ala403Ser; replaces alanine 403 with serine.
Molecular consequence: missense variant.
Genome position (GRCh38, 1-based): chr17:17,794,155, G>T. VCF-style: chr17-17794155-G-T. GRCh37 (hg19) VCF-style: chr17-17697469-G-T.
Other names: short protein forms A403S.
Identifiers: ClinVar variation 4727933 (VCV004727933.1).

ClinVar aggregate classification (germline): Uncertain significance (1 of 4 stars; one submission).

Submission:

Labcorp Genetics (formerly Invitae), Labcorp
Classification: Uncertain significance. Last evaluated: 2025-09-27. Review status: criteria provided, single submitter. Criteria: Invitae Variant Classification Sherloc (09022015). Collection method: clinical testing. Allele origin: germline.
Comment: This sequence change replaces alanine, which is neutral and non-polar, with serine, which is neutral and polar, at codon 403 of the RAI1 protein (p.Ala403Ser). This variant is not present in population databases (gnomAD no frequency). This variant has not been reported in the literature in individuals affected with RAI1-related conditions. An algorithm developed to predict the effect of missense changes on protein structure and function (PolyPhen-2) suggests that this variant is likely to be tolerated. In summary, the available evidence is currently insufficient to determine the role of this variant in disease. Therefore, it has been classified as a Variant of Uncertain Significance.